The following is an entry in ClinVar:

ClinVar aggregate classification (germline): Uncertain significance (1 of 4 stars; one submission).

Conditions:
Hereditary cancer-predisposing syndrome. Also called: Hereditary Cancer Syndrome; Neoplastic Syndromes, Hereditary; Tumor predisposition; Hereditary neoplastic syndrome. Identifiers: Orphanet 140162, MedGen C0027672, MeSH D009386, MONDO:0015356.

Submission:

Ambry Genetics
Classification: Uncertain significance for Hereditary cancer-predisposing syndrome. Last evaluated: 2023-09-21. Review status: criteria provided, single submitter. Criteria: Ambry Variant Classification Scheme 2023. Collection method: clinical testing. Allele origin: germline.
Comment: The p.L1861P variant (also known as c.5582T>C), located in coding exon 36 of the ATM gene, results from a T to C substitution at nucleotide position 5582. The leucine at codon 1861 is replaced by proline, an amino acid with similar properties. This variant was not reported in population based cohorts in the following databases: Database of Single Nucleotide Polymorphisms (dbSNP), NHLBI Exome Sequencing Project (ESP), and 1000 Genomes Project. In the ESP, this variant was not observed in 6499 samples (12998 alleles) with coverage at this position. To date, this alteration has been detected with an allele frequency of approximately 0.001% (greater than 180000 alleles tested) in our clinical cohort. This amino acid position is highly conserved in available vertebrate species. In addition, this alteration is predicted to be deleterious by in silico analysis. Since supporting evidence is limited at this time, the clinical significance of this alteration remains unclear.

NM_000051.4(ATM):c.5582T>C (p.Leu1861Pro)

Gene: ATM (ATM serine/threonine kinase; plus strand). Cytogenetic location: 11q22.3.
Variant type: single nucleotide variant.
Coding change: c.5582T>C on transcript NM_000051.4 (MANE Select); coding-DNA position 5582, T replaced by C.
Protein change: p.Leu1861Pro; replaces leucine 1861 with proline.
Molecular consequence: missense variant.
Genome position (GRCh38, 1-based): chr11:108,304,760, T>C. VCF-style: chr11-108304760-T-C. GRCh37 (hg19) VCF-style: chr11-108175487-T-C.
Other names: c.5582T>C, p.Leu1861Pro (NM_001351834.2); short protein forms L1861P.
Identifiers: ClinVar variation 481258 (VCV000481258.5), dbSNP rs1555107411, ClinGen allele CA382546140.